The following is an entry in ClinVar:

NM_021942.6(TRAPPC11):c.162G>C (p.Lys54Asn)

Gene: TRAPPC11 (trafficking protein particle complex subunit 11; plus strand). Cytogenetic location: 4q35.1.
Variant type: single nucleotide variant.
Coding change: c.162G>C on transcript NM_021942.6 (MANE Select); coding-DNA position 162, G replaced by C.
Protein change: p.Lys54Asn; replaces lysine 54 with asparagine.
Molecular consequence: missense variant.
Genome position (GRCh38, 1-based): chr4:183,664,029, G>C. VCF-style: chr4-183664029-G-C. GRCh37 (hg19) VCF-style: chr4-184585182-G-C.
Other names: c.162G>C, p.Lys54Asn (NM_199053.3); short protein forms K54N.
Identifiers: ClinVar variation 2177200 (VCV002177200.1), dbSNP rs774994182, ClinGen allele CA3151495.

ClinVar aggregate classification (germline): Uncertain significance (1 of 4 stars; one submission).

Conditions:
Autosomal recessive limb-girdle muscular dystrophy type R18 (LGMDR18). Also called: MUSCULAR DYSTROPHY, LIMB-GIRDLE, AUTOSOMAL RECESSIVE 18; Autosomal recessive limb-girdle muscular dystrophy type 2S; Limb-girdle muscular dystrophy, type 2S. Identifiers: Orphanet 369840, MedGen C4517996, MONDO:0014144, OMIM 615356.

Allele frequency attached by ClinVar (database versions not stated): ExAC 0.00001; gnomAD 0.00001; gnomAD exomes 0.00004.
gnomAD v4.1: 64 of 1,613,578 alleles (0.004%); highest among the groups gnomAD compares: Non-Finnish European, 0.0053%; no homozygotes.

Submission:

Labcorp Genetics (formerly Invitae), Labcorp
Classification: Uncertain significance for Autosomal recessive limb-girdle muscular dystrophy type R18. Last evaluated: 2022-08-31. Review status: criteria provided, single submitter. Criteria: Invitae Variant Classification Sherloc (09022015). Collection method: clinical testing. Allele origin: germline.
Comment: This sequence change replaces lysine, which is basic and polar, with asparagine, which is neutral and polar, at codon 54 of the TRAPPC11 protein (p.Lys54Asn). This variant is present in population databases (rs774994182, gnomAD 0.003%). This variant has not been reported in the literature in individuals affected with TRAPPC11-related conditions. Algorithms developed to predict the effect of missense changes on protein structure and function are either unavailable or do not agree on the potential impact of this missense change (SIFT: "Deleterious"; PolyPhen-2: "Benign"; Align-GVGD: "Class C0"). Algorithms developed to predict the effect of sequence changes on RNA splicing suggest that this variant may create or strengthen a splice site. In summary, the available evidence is currently insufficient to determine the role of this variant in disease. Therefore, it has been classified as a Variant of Uncertain Significance.